The following is an entry in ClinVar:

NM_000398.7(CYB5R3):c.10C>T (p.Gln4Ter)

Genes: CYB5R3 (cytochrome b5 reductase 3; minus strand), LOC130067609 (ATAC-STARR-seq lymphoblastoid silent region 13835; plus strand). Cytogenetic location: 22q13.2.
Variant type: single nucleotide variant.
Coding change: c.10C>T on transcript NM_000398.7 (MANE Select); coding-DNA position 10, C replaced by T.
Protein change: p.Gln4Ter; replaces glutamine 4 with a stop codon.
Molecular consequence: nonsense.
Genome position (GRCh38, 1-based): chr22:42,649,306, G>A on the plus strand (C>T on the coding strand, the complement: CYB5R3 is on the minus strand). VCF-style: chr22-42649306-G-A. GRCh37 (hg19) VCF-style: chr22-43045312-G-A.
Other names: c.10C>T, p.Gln4Ter (NM_001031678.1); short protein forms Q4*.
Identifiers: ClinVar variation 1970723 (VCV001970723.5), dbSNP rs1312414434, ClinGen allele CA411805809.

ClinVar aggregate classification (germline): Pathogenic (1 of 4 stars; one submission).

Submission:

Labcorp Genetics (formerly Invitae), Labcorp
Classification: Pathogenic. Last evaluated: 2025-07-21. Review status: criteria provided, single submitter. Criteria: Invitae Variant Classification Sherloc (09022015). Collection method: clinical testing. Allele origin: germline.
Comment: This sequence change creates a premature translational stop signal (p.Gln4*) in the CYB5R3 gene. It is expected to result in an absent or disrupted protein product. Loss-of-function variants in CYB5R3 are known to be pathogenic (PMID: 18318771). The frequency data for this variant in the population databases is considered unreliable, as metrics indicate insufficient coverage at this position in the gnomAD database. This variant has not been reported in the literature in individuals affected with CYB5R3-related conditions. ClinVar contains an entry for this variant (Variation ID: 1970723). For these reasons, this variant has been classified as Pathogenic.

Literature cited by the submitters: PubMed 18318771.